The following is an entry in ClinVar:

NM_014237.3(ADAM18):c.663G>A (p.Met221Ile)

Gene: ADAM18 (ADAM metallopeptidase domain 18; plus strand). Cytogenetic location: 8p11.22.
Variant type: single nucleotide variant.
Coding change: c.663G>A on transcript NM_014237.3 (MANE Select); coding-DNA position 663, G replaced by A.
Protein change: p.Met221Ile; replaces methionine 221 with isoleucine.
Molecular consequence: missense variant. On other transcripts: non-coding transcript variant (1).
Genome position (GRCh38, 1-based): chr8:39,637,539, G>A. VCF-style: chr8-39637539-G-A. GRCh37 (hg19) VCF-style: chr8-39495058-G-A.
Other names: c.591G>A, p.Met197Ile (NM_001320313.2); short protein forms M197I, M221I.
Identifiers: ClinVar variation 2362987 (VCV002362987.26), dbSNP rs199835295, ClinGen allele CA4723175.
Genomic context (GRCh38, chr8:39,637,539, plus strand): 5'-TACCTTTTAAATGTAATAACTTGTTTCTTTAAAAATGTACAATACATCTTATTTTTAGAT[G>A]TTTACCCAGTTCAAATTGACTGTTATACTGTCTTCCTTGGAATTGTGGTCAAATGAAAAC-3'
Protein context (NP_055052.1, residues 211-231): IVQVIGLVNT[Met221Ile]FTQFKLTVIL

ClinVar aggregate classification (germline): Conflicting classifications of pathogenicity. Review status: criteria provided, conflicting classifications (1 of 4 stars). 2 submissions from 2 submitters: Uncertain significance (1); Likely benign (1). Last evaluated 2022-09-01.

Allele frequency attached by ClinVar (database versions not stated): ESP Exome Variant Server 0.00008; ExAC 0.00023; gnomAD exomes 0.00023; TOPMed 0.00026; gnomAD 0.00027.
gnomAD v4.1: 402 of 1,606,246 alleles (0.025%); highest among the groups gnomAD compares: Non-Finnish European, 0.0043%; 2 homozygotes.

Submissions (2):

CeGaT Center for Human Genetics Tuebingen
Classification: Likely benign. Last evaluated: 2022-09-01. Review status: criteria provided, single submitter. Criteria: CeGaT Center For Human Genetics Tuebingen Variant Classification Criteria Version 2. Collection method: clinical testing. Allele origin: germline. Affected: yes. Observed: 1 variant allele.
Comment: ADAM18: BP4

Ambry Genetics
Classification: Uncertain significance. Last evaluated: 2021-10-05. Review status: criteria provided, single submitter. Criteria: Ambry Variant Classification Scheme 2023. Collection method: clinical testing. Allele origin: germline.